The following is an entry in ClinVar:

ClinVar aggregate classification (germline): Uncertain significance (1 of 4 stars; one submission).

Submission:

Greenwood Genetic Center Diagnostic Laboratories, Greenwood Genetic Center
Classification: Uncertain significance. Last evaluated: 2023-09-25. Review status: criteria provided, single submitter. Criteria: ACMG Guidelines, 2015. Collection method: clinical testing. Allele origin: germline. Affected: yes.
Comment: Gene of Uncertain Significance

NM_001130528.3(SPAG9):c.2191C>T (p.Gln731Ter)

Gene: SPAG9 (sperm associated antigen 9; minus strand). Cytogenetic location: 17q21.33.
Variant type: single nucleotide variant.
Coding change: c.2191C>T on transcript NM_001130528.3 (MANE Select); coding-DNA position 2191, C replaced by T.
Protein change: p.Gln731Ter; replaces glutamine 731 with a stop codon.
Molecular consequence: nonsense.
Genome position (GRCh38, 1-based): chr17:50,995,092, G>A on the plus strand (C>T on the coding strand, the complement: SPAG9 is on the minus strand). VCF-style: chr17-50995092-G-A. GRCh37 (hg19) VCF-style: chr17-49072453-G-A.
Other names: c.2161C>T, p.Gln721Ter (NM_001130527.3); c.1720C>T, p.Gln574Ter (NM_001251971.2); c.2149C>T, p.Gln717Ter (NM_003971.6); short protein forms Q574*, Q717*, Q721*, Q731*.
Identifiers: ClinVar variation 2626961 (VCV002626961.1), dbSNP rs2509156869, ClinGen allele CA400295542.